The following is an entry in ClinVar:

NM_003803.4(MYOM1):c.2408C>G (p.Thr803Ser)

Gene: MYOM1 (myomesin 1; minus strand). Cytogenetic location: 18p11.31.
Variant type: single nucleotide variant.
Coding change: c.2408C>G on transcript NM_003803.4 (MANE Select); coding-DNA position 2408, C replaced by G.
Protein change: p.Thr803Ser; replaces threonine 803 with serine.
Molecular consequence: missense variant.
Genome position (GRCh38, 1-based): chr18:3,131,473, G>C on the plus strand (C>G on the coding strand, the complement: MYOM1 is on the minus strand). VCF-style: chr18-3131473-G-C. GRCh37 (hg19) VCF-style: chr18-3131471-G-C.
Other names: c.2408C>G, p.Thr803Ser (NM_019856.2); short protein forms T803S.
Identifiers: ClinVar variation 4799059 (VCV004799059.1).
Genomic context (GRCh38, chr18:3,131,473, plus strand): 5'-GAATATTCACTAAGTCCAGCTGCATTGACTGCTCTGACCCGGAAAATATAACTCTGACCA[G>C]TCACTAATCCATGACAAGTGAATCTAAAAGGAAAACAAGTTTTAAAAAATTTTCCTAGGA-3'
Protein context (NP_003794.3, residues 793-813): GSRFTCHGLV[Thr803Ser]GQSYIFRVRA

ClinVar aggregate classification (germline): Uncertain significance (1 of 4 stars; one submission).

Conditions:
Hypertrophic cardiomyopathy. Also called: HYPERTROPHIC MYOCARDIOPATHY. Identifiers: Orphanet 217569, MedGen C0007194, MeSH D002312, MONDO:0005045, HP:0001639.

Submission:

Labcorp Genetics (formerly Invitae), Labcorp
Classification: Uncertain significance for Hypertrophic cardiomyopathy. Last evaluated: 2025-07-27. Review status: criteria provided, single submitter. Criteria: Invitae Variant Classification Sherloc (09022015). Collection method: clinical testing. Allele origin: germline.
Comment: This sequence change replaces threonine, which is neutral and polar, with serine, which is neutral and polar, at codon 803 of the MYOM1 protein (p.Thr803Ser). This variant is not present in population databases (gnomAD no frequency). This variant has not been reported in the literature in individuals affected with MYOM1-related conditions. Invitae Evidence Modeling of protein sequence and biophysical properties (such as structural, functional, and spatial information, amino acid conservation, physicochemical variation, residue mobility, and thermodynamic stability) indicates that this missense variant is expected to disrupt MYOM1 protein function with a positive predictive value of 80%. In summary, the available evidence is currently insufficient to determine the role of this variant in disease. Therefore, it has been classified as a Variant of Uncertain Significance.